The following is an entry in ClinVar:

ClinVar aggregate classification (germline): Uncertain significance (1 of 4 stars; one submission).

Conditions:
Hereditary pancreatitis (PCTT). Also called: Hereditary chronic pancreatitis; PRSS1-Related Hereditary Pancreatitis. Identifiers: Orphanet 676, MedGen C0238339, MONDO:0008185, OMIM 167800.

Submission:

Ambry Genetics
Classification: Uncertain significance for Hereditary pancreatitis. Last evaluated: 2022-12-15. Review status: criteria provided, single submitter. Criteria: Ambry Variant Classification Scheme 2023. Collection method: clinical testing. Allele origin: germline.
Comment: The p.R112S variant (also known as c.336A>T), located in coding exon 4 of the CTRC gene, results from an A to T substitution at nucleotide position 336. The arginine at codon 112 is replaced by serine, an amino acid with dissimilar properties. This amino acid position is conserved. In addition, this alteration is predicted to be tolerated by in silico analysis. Since supporting evidence is limited at this time, the clinical significance of this alteration remains unclear.

NM_007272.3(CTRC):c.336A>T (p.Arg112Ser)

Gene: CTRC (chymotrypsin C; plus strand). Cytogenetic location: 1p36.21.
Variant type: single nucleotide variant.
Coding change: c.336A>T on transcript NM_007272.3 (MANE Select); coding-DNA position 336, A replaced by T.
Protein change: p.Arg112Ser; replaces arginine 112 with serine.
Molecular consequence: missense variant.
Genome position (GRCh38, 1-based): chr1:15,442,552, A>T. VCF-style: chr1-15442552-A-T. GRCh37 (hg19) VCF-style: chr1-15769048-A-T.
Other names: short protein forms R112S.
Identifiers: ClinVar variation 2449711 (VCV002449711.2), dbSNP rs2526294730, ClinGen allele CA338565669.